The following is an entry in ClinVar:

ClinVar aggregate classification (germline): Benign/Likely benign. Review status: criteria provided, multiple submitters, no conflicts (2 of 4 stars). 4 submissions from 4 submitters: Benign (1); Likely benign (3). Last evaluated 2025-10-24.

Conditions:
RAI1-related disorder. Also called: RAI1-related condition.
Inborn genetic diseases. Identifiers: MedGen C0950123, MeSH D030342.

Allele frequency attached by ClinVar (database versions not stated): gnomAD exomes 0.00002 and 0.00008; ExAC 0.00007.
gnomAD v4.1: 38 of 1,613,516 alleles (0.0024%); highest among the groups gnomAD compares: Admixed American, 0.042%; no homozygotes.

Submissions (4):

Labcorp Genetics (formerly Invitae), Labcorp
Classification: Benign. Last evaluated: 2025-10-24. Review status: criteria provided, single submitter. Criteria: Invitae Variant Classification Sherloc (09022015). Collection method: clinical testing. Allele origin: germline.

PreventionGenetics, part of Exact Sciences
Classification: Likely benign for RAI1-related condition. Last evaluated: 2024-10-14. Review status: criteria provided, single submitter. Criteria: ACMG Guidelines, 2015. Collection method: clinical testing. Allele origin: germline.
Comment: This variant is classified as likely benign based on ACMG/AMP sequence variant interpretation guidelines (Richards et al. 2015 PMID: 25741868, with internal and published modifications).

GeneDx
Classification: Likely benign. Last evaluated: 2020-09-28. Review status: criteria provided, single submitter. Criteria: GeneDx Variant Classification Process June 2021. Collection method: clinical testing. Allele origin: germline. Affected: yes.

Ambry Genetics
Classification: Likely benign for Inborn genetic diseases. Last evaluated: 2018-06-08. Review status: criteria provided, single submitter. Criteria: Ambry Variant Classification Scheme 2023. Collection method: clinical testing. Allele origin: germline.

NM_030665.4(RAI1):c.4279G>A (p.Glu1427Lys)

Gene: RAI1 (retinoic acid induced 1; plus strand). Cytogenetic location: 17p11.2.
Variant type: single nucleotide variant.
Coding change: c.4279G>A on transcript NM_030665.4 (MANE Select); coding-DNA position 4279, G replaced by A.
Protein change: p.Glu1427Lys; replaces glutamic acid 1427 with lysine.
Molecular consequence: missense variant.
Genome position (GRCh38, 1-based): chr17:17,797,227, G>A. VCF-style: chr17-17797227-G-A. GRCh37 (hg19) VCF-style: chr17-17700541-G-A.
Other names: short protein forms E1427K.
Identifiers: ClinVar variation 1205531 (VCV001205531.14), dbSNP rs766363196, ClinGen allele CA8418922.
Genomic context (GRCh38, chr17:17,797,227, plus strand): 5'-TCCTTAAAAGGCAAACTCATGAACAGTAAGAAACTGTCTTCTACTGACTGTTTCAAAACC[G>A]AGGCCTTCACATCCCCGGAGGCCCTGCAGCCTGGGGGGACTGCCCTGGCGCCTAAGAAGA-3'
Protein context (NP_109590.3, residues 1417-1437): KLSSTDCFKT[Glu1427Lys]AFTSPEALQP